The following is an entry in ClinVar:

NM_000718.4(CACNA1B):c.1414C>T (p.Arg472Trp)

Gene: CACNA1B (calcium voltage-gated channel subunit alpha1 B; plus strand). Cytogenetic location: 9q34.3.
Variant type: single nucleotide variant.
Coding change: c.1414C>T on transcript NM_000718.4 (MANE Select); coding-DNA position 1414, C replaced by T.
Protein change: p.Arg472Trp; replaces arginine 472 with tryptophan.
Molecular consequence: missense variant.
Genome position (GRCh38, 1-based): chr9:137,971,463, C>T. VCF-style: chr9-137971463-C-T. GRCh37 (hg19) VCF-style: chr9-140865915-C-T.
Other names: c.1414C>T, p.Arg472Trp (NM_001243812.2); short protein forms R472W.
Identifiers: ClinVar variation 2116896 (VCV002116896.2), dbSNP rs1349178473, ClinGen allele CA375806047.

ClinVar aggregate classification (germline): Uncertain significance (1 of 4 stars; one submission).

Allele frequency attached by ClinVar (database versions not stated): gnomAD exomes below 0.00001; TOPMed 0.00001.
gnomAD v4.1: 3 of 1,613,544 alleles (0.00019%); highest among the groups gnomAD compares: Non-Finnish European, 0.00025%; no homozygotes.

Submission:

Labcorp Genetics (formerly Invitae), Labcorp
Classification: Uncertain significance. Last evaluated: 2022-09-07. Review status: criteria provided, single submitter. Criteria: Invitae Variant Classification Sherloc (09022015). Collection method: clinical testing. Allele origin: germline.
Comment: In summary, the available evidence is currently insufficient to determine the role of this variant in disease. Therefore, it has been classified as a Variant of Uncertain Significance. Advanced modeling of protein sequence and biophysical properties (such as structural, functional, and spatial information, amino acid conservation, physicochemical variation, residue mobility, and thermodynamic stability) performed at Invitae indicates that this missense variant is expected to disrupt CACNA1B protein function. This variant has not been reported in the literature in individuals affected with CACNA1B-related conditions. This variant is not present in population databases (gnomAD no frequency). This sequence change replaces arginine, which is basic and polar, with tryptophan, which is neutral and slightly polar, at codon 472 of the CACNA1B protein (p.Arg472Trp).